The following is an entry in ClinVar:

NM_001999.4(FBN2):c.3920G>A (p.Arg1307His)

Gene: FBN2 (fibrillin 2; minus strand). Cytogenetic location: 5q23.3.
Variant type: single nucleotide variant.
Coding change: c.3920G>A on transcript NM_001999.4 (MANE Select); coding-DNA position 3920, G replaced by A.
Protein change: p.Arg1307His; replaces arginine 1307 with histidine.
Molecular consequence: missense variant.
Genome position (GRCh38, 1-based): chr5:128,335,223, C>T on the plus strand (G>A on the coding strand, the complement: FBN2 is on the minus strand). VCF-style: chr5-128335223-C-T. GRCh37 (hg19) VCF-style: chr5-127670915-C-T.
Other names: short protein forms R1307H.
Identifiers: ClinVar variation 1203804 (VCV001203804.11), dbSNP rs139428175, ClinGen allele CA3395101.
Genomic context (GRCh38, chr5:128,335,223, plus strand): 5'-TACCCACCAATGCATGTTTTCATGTCCATGGAAGCCATGAAGCCATCATAGCAGAGGCAG[C>T]GATACTCTCCAGGAATGTTGGTACACTGGCCGCCATCACAGATATCAGGATTGTTTTCAC-3'
Protein context (NP_001990.2, residues 1297-1317): GQCTNIPGEY[Arg1307His]CLCYDGFMAS

ClinVar aggregate classification (germline): Conflicting classifications of pathogenicity. Review status: criteria provided, conflicting classifications (1 of 4 stars). 2 submissions from 2 submitters: Uncertain significance (1); Likely benign (1). Last evaluated 2025-03-05.

Conditions:
Congenital contractural arachnodactyly (CCA). Also called: BEALS SYNDROME; Beals-Hecht syndrome; Arthrogryposis, distal, type 9. Identifiers: Orphanet 115, MedGen C0220668, MONDO:0007363, OMIM 121050.

Allele frequency attached by ClinVar (database versions not stated): TOPMed below 0.00001; ExAC 0.00002; gnomAD exomes 0.00003; gnomAD 0.00004 and 0.00005; ESP Exome Variant Server 0.00008; 1000 Genomes Project 30x 0.00031; 1000 Genomes Project 0.00040.
gnomAD v4.1: 27 of 1,614,038 alleles (0.0017%); highest among the groups gnomAD compares: East Asian, 0.018%; no homozygotes.

Submissions (2):

Labcorp Genetics (formerly Invitae), Labcorp
Classification: Likely benign for Congenital contractural arachnodactyly. Last evaluated: 2025-03-05. Review status: criteria provided, single submitter. Criteria: Invitae Variant Classification Sherloc (09022015). Collection method: clinical testing. Allele origin: germline.

GeneDx
Classification: Uncertain significance. Last evaluated: 2020-10-26. Review status: criteria provided, single submitter. Criteria: GeneDx Variant Classification Process June 2021. Collection method: clinical testing. Allele origin: germline. Affected: yes.
Comment: In silico analysis supports that this missense variant has a deleterious effect on protein structure/function; Although located in a calcium-binding EGF-like domain of the FBN2 gene, it does not affect a cysteine residue within this domain; cysteine substitutions in the calcium-binding EGF-like domains represent the majority of pathogenic missense changes associated with FBN2-related disorders (Frederic et al., 2009); Has not been previously published as pathogenic or benign to our knowledge